The following is an entry in ClinVar:

NM_000124.4(ERCC6):c.1638G>T (p.Leu546Phe)

Gene: ERCC6 (ERCC excision repair 6, chromatin remodeling factor; minus strand). Cytogenetic location: 10q11.23.
Variant type: single nucleotide variant.
Coding change: c.1638G>T on transcript NM_000124.4 (MANE Select); coding-DNA position 1638, G replaced by T.
Protein change: p.Leu546Phe; replaces leucine 546 with phenylalanine.
Molecular consequence: missense variant.
Genome position (GRCh38, 1-based): chr10:49,500,585, C>A on the plus strand (G>T on the coding strand, the complement: ERCC6 is on the minus strand). VCF-style: chr10-49500585-C-A. GRCh37 (hg19) VCF-style: chr10-50708631-C-A.
Other names: c.1638G>T, p.Leu546Phe (NM_001346440.2); short protein forms L546F.
Identifiers: ClinVar variation 3377424 (VCV003377424.1).

ClinVar aggregate classification (germline): Uncertain significance (1 of 4 stars; one submission).

Conditions:
Cockayne syndrome type 2 (CSB). Also called: Cockayne Syndrome, Type II; COCKAYNE SYNDROME B. Identifiers: Orphanet 191, Orphanet 90322, MedGen C0751038, MONDO:0019570, OMIM 133540.

Submission:

Victorian Clinical Genetics Services, Murdoch Childrens Research Institute
Classification: Uncertain significance for Cockayne syndrome type 2. Last evaluated: 2020-05-21. Review status: criteria provided, single submitter. Criteria: ACMG Guidelines, 2015. Collection method: clinical testing. Allele origin: germline. Affected: yes.
Comment: A heterozygous missense variant was identified, NM_000124.2(ERCC6):c.1638G>T in exon 7 of the ERCC6 gene. (NB: this variant is non-coding in alternative transcripts). This substitution is predicted to create a minor amino acid change from a leucine to a phenylalanine at position 546 of the protein; NP_000115.1(ERCC6):p.(Leu546Phe). The leucine at this position has very high conservation (100 vertebrates, UCSC), and is located within the helicase ATP-binding domain (Sanchez-Roman, I. et al. (2018)). In silico software predicts this variant to be damaging (PolyPhen2, PROVEAN, MutationAssessor, FATHMM). The variant is not present in the gnomAD population database. This variant has not previously been reported in clinical cases. Based on information available at the time of curation, this variant has been classified as a VUS. Legend: (P) - Pathogenic, (N) - Neutral, (B) - Benign

Literature cited by the submitters: PubMed 29944916.